The following is an entry in ClinVar:

ClinVar aggregate classification (germline): Likely pathogenic (1 of 4 stars; one submission).

Submission:

GeneDx
Classification: Likely pathogenic. Last evaluated: 2019-12-26. Review status: criteria provided, single submitter. Criteria: GeneDx Variant Classification Process June 2021. Collection method: clinical testing. Allele origin: germline. Affected: yes.
Comment: Not observed in large population cohorts (Lek et al., 2016); Has not been previously published as pathogenic or benign to our knowledge

NM_001278116.2(L1CAM):c.1828+5G>T

Gene: L1CAM (L1 cell adhesion molecule; minus strand). Cytogenetic location: Xq28.
Variant type: single nucleotide variant.
Coding change: c.1828+5G>T on transcript NM_001278116.2 (MANE Select); 5 bases into the intron after coding-DNA position 1828, G replaced by T.
Molecular consequence: intron variant.
Genome position (GRCh38, 1-based): chrX:153,867,993, C>A on the plus strand (G>T on the coding strand, the complement: L1CAM is on the minus strand). VCF-style: chrX-153867993-C-A. GRCh37 (hg19) VCF-style: chrX-153133448-C-A.
Other names: c.1813+5G>T (NM_001143963.2); c.1828+5G>T (NM_024003.3, NM_000425.5).
Identifiers: ClinVar variation 418279 (VCV000418279.3), dbSNP rs1064793164, ClinGen allele CA16621232.